The following is an entry in ClinVar:

NM_000404.4(GLB1):c.367G>A (p.Gly123Arg)

Gene: GLB1 (galactosidase beta 1; minus strand). Cytogenetic location: 3p22.3.
Variant type: single nucleotide variant.
Coding change: c.367G>A on transcript NM_000404.4 (MANE Select); coding-DNA position 367, G replaced by A.
Protein change: p.Gly123Arg; replaces glycine 123 with arginine.
Molecular consequence: missense variant. On other transcripts: intron variant (1).
Genome position (GRCh38, 1-based): chr3:33,068,849, C>T on the plus strand (G>A on the coding strand, the complement: GLB1 is on the minus strand). VCF-style: chr3-33068849-C-T. GRCh37 (hg19) VCF-style: chr3-33110341-C-T.
Other names: c.277G>A, p.Gly93Arg (NM_001079811.3); c.511G>A, p.Gly171Arg (NM_001317040.2); c.367G>A, p.Gly123Arg (NM_001393580.1); c.246-3292G>A (NM_001135602.3); c.367G>A (NM_000404.3); short protein forms G123R, G171R, G93R.
Identifiers: ClinVar variation 928 (VCV000000928.14), dbSNP rs28934274, ClinGen allele CA114636.
Genomic context (GRCh38, chr3:33,068,849, plus strand): 5'-ACCAGGTAGAGCCCAGTCTAGCCACACTCACCATTTCCCACTCTGCACAGATGTAGGGCC[C>T]GGGCCTCAGGATAACCAGCAGTCCCAGCTCATGAGCCAGCCGAAGAAAATATTCCACATC-3'
Protein context (NP_000395.3, residues 113-133): ELGLLVILRP[Gly123Arg]PYICAEWEMG

ClinVar aggregate classification (germline): Pathogenic. Review status: criteria provided, multiple submitters, no conflicts (2 of 4 stars). 6 submissions from 6 submitters: Pathogenic (5). 1 of the submissions does not count toward it. Last evaluated 2025-12-26.

Conditions:
GLB1-related disorder. Also called: GLB1-related disorders. Identifiers: MedGen CN377807.
Mucopolysaccharidosis, MPS-IV-B (MPS4B). Also called: Mucopolysaccharidosis Type IVB (Morquio B Disease); Mucopolysaccharidosis type IVB (Morquio); MPS IVB; MORQUIO SYNDROME B; Mucopolysaccharidosis type 4B; Mucopolysaccharidosis type IV B. Identifiers: Orphanet 309310, Orphanet 582, MedGen C0086652, MONDO:0009660, OMIM 253010.
GM1 gangliosidosis. Identifiers: Orphanet 354, MedGen C0085131, MONDO:0018149.
Infantile GM1 gangliosidosis. Also called: GM1-gangliosidosis, type I; Gangliosidosis, generalized GM1, infantile form; GLB1 deficiency; Gangliosidosis, Generalized GM1, Type 1; GM1 gangliosidosis type 1. Identifiers: Orphanet 354, Orphanet 79255, MedGen C0268271, MONDO:0009260, OMIM 230500.

Allele frequency attached by ClinVar (database versions not stated): TOPMed below 0.00001; gnomAD exomes 0.00001.

Submissions (6):

Natera, Inc.
Classification: Pathogenic for Mucopolysaccharidosis, MPS-IV-B. Last evaluated: 2025-12-26. Review status: criteria provided, single submitter. Criteria: Natera Variant Classification Schema (03/2026). Collection method: clinical testing. Allele origin: germline.
Comment: The c.367G>A variant in GLB1 is a missense variant predicted to cause substitution of glycine to arginine at amino acid 123. This variant is rare in the general population with a frequency below the threshold expected for the associated phenotype(s). This variant has been observed in one or more individuals affected with the associated recessive disease, as either homozygous or compound heterozygous with a second variant (PMID: 17221873, 33240792, 25326637). Functional studies show that this variant may disrupt protein function (PMID: 1817034). Computational prediction algorithms indicate this variant is likely to affect gene or protein function. Given the available evidence, this variant is classified as Pathogenic.

Women's Health and Genetics/Laboratory Corporation of America, LabCorp
Classification: Pathogenic for Mucopolysaccharidosis, MPS-IV-B. Last evaluated: 2024-10-22. Review status: criteria provided, single submitter. Criteria: LabCorp Variant Classification Summary - May 2015. Collection method: clinical testing. Allele origin: germline.
Comment: Variant summary: GLB1 c.367G>A (p.Gly123Arg) results in a non-conservative amino acid change in the encoded protein sequence. Five of five in-silico tools predict a damaging effect of the variant on protein function. The variant allele was found at a frequency of 8e-06 in 249506 control chromosomes. c.367G>A has been reported in the literature in individuals affected with Mucopolysaccharidosis Type IVB (Morquio Syndrome B) (examples: Caciotti_2007, Yoshida_1991, Sohn_2012, Lee_2014). These data indicate that the variant is likely to be associated with disease. In vitro functional studies reduced activity for the variant (Yoshida_1991). The following publications have been ascertained in the context of this evaluation (PMID: 17221873, 1907800, 22371915, 25326637). ClinVar contains an entry for this variant (Variation ID: 928). Based on the evidence outlined above, the variant was classified as pathogenic.

Labcorp Genetics (formerly Invitae), Labcorp
Classification: Pathogenic for Mucopolysaccharidosis, MPS-IV-B; GM1 gangliosidosis. Last evaluated: 2023-12-09. Review status: criteria provided, single submitter. Criteria: Invitae Variant Classification Sherloc (09022015). Collection method: clinical testing. Allele origin: germline.
Comment: This sequence change replaces glycine, which is neutral and non-polar, with arginine, which is basic and polar, at codon 123 of the GLB1 protein (p.Gly123Arg). This variant is present in population databases (rs28934274, gnomAD 0.003%). This missense change has been observed in individual(s) with GLB1-related conditions (PMID: 1907800, 17221873, 22371915, 25936995). In at least one individual the data is consistent with being in trans (on the opposite chromosome) from a pathogenic variant. ClinVar contains an entry for this variant (Variation ID: 928). Advanced modeling of protein sequence and biophysical properties (such as structural, functional, and spatial information, amino acid conservation, physicochemical variation, residue mobility, and thermodynamic stability) performed at Invitae indicates that this missense variant is expected to disrupt GLB1 protein function with a positive predictive value of 95%. Experimental studies have shown that this missense change affects GLB1 function (PMID: 1907800). For these reasons, this variant has been classified as Pathogenic.

GeneDx
Classification: Pathogenic. Last evaluated: 2022-12-13. Review status: criteria provided, single submitter. Criteria: GeneDx Variant Classification Process June 2021. Collection method: clinical testing. Allele origin: germline. Affected: yes.
Comment: Not observed at significant frequency in large population cohorts (gnomAD); In silico analysis supports that this missense variant has a deleterious effect on protein structure/function; This variant is associated with the following publications: (PMID: 25364648, 1907800, 32071837, Cho2021[Review], 30665703, 33240792, 31367523, 22371915, 25936995, 30548430, 17221873)

Blueprint Genetics
Classification: Pathogenic for GLB1-related disorders. Last evaluated: 2022-01-26. Review status: criteria provided, single submitter. Criteria: ACMG Guidelines, 2015. Collection method: clinical testing. Allele origin: germline. Affected: yes. Observed: 3 variant alleles.

OMIM
Classification: Pathogenic for GM1-GANGLIOSIDOSIS, TYPE I. Last evaluated: 1991-08-01. Review status: no assertion criteria provided. Collection method: literature only. Allele origin: germline. Not counted in ClinVar's aggregate classification.

Literature cited by the submitters: PubMed 17221873 (cited by 3 submitters); PubMed 33240792 (cited by Natera, Inc.); PubMed 25326637 (cited by Natera, Inc. and Women's Health and Genetics/Laboratory Corporation of America, LabCorp); PubMed 1817034 (cited by Natera, Inc.); PubMed 1907800 (cited by 3 submitters); PubMed 22371915 (cited by Women's Health and Genetics/Laboratory Corporation of America, LabCorp and Labcorp Genetics (formerly Invitae), Labcorp); PubMed 25936995 (cited by Labcorp Genetics (formerly Invitae), Labcorp).